The following is an entry in ClinVar:

ClinVar aggregate classification (germline): Uncertain significance. Review status: criteria provided, multiple submitters, no conflicts (2 of 4 stars). 2 submissions from 2 submitters: Uncertain significance (2). Last evaluated 2024-08-15.

Conditions:
Cardiovascular phenotype. Identifiers: MedGen CN230736.
Alagille syndrome due to a JAG1 point mutation. Also called: JAG1-Related Alagille Syndrome; Alagille Syndrome 1; HEPATIC DUCTULAR HYPOPLASIA, SYNDROMATIC. Identifiers: Orphanet 261619, Orphanet 52, MedGen C1956125, MONDO:0016862, OMIM 118450.

Submissions (2):

Ambry Genetics
Classification: Uncertain significance for Cardiovascular phenotype. Last evaluated: 2024-08-15. Review status: criteria provided, single submitter. Criteria: Ambry Variant Classification Scheme 2023. Collection method: clinical testing. Allele origin: germline.
Comment: The p.P514A variant (also known as c.1540C>G), located in coding exon 12 of the JAG1 gene, results from a C to G substitution at nucleotide position 1540. The proline at codon 514 is replaced by alanine, an amino acid with highly similar properties. This amino acid position is conserved. In addition, the in silico prediction for this alteration is inconclusive. Based on the available evidence, the clinical significance of this variant remains unclear.

Labcorp Genetics (formerly Invitae), Labcorp
Classification: Uncertain significance for Alagille syndrome due to a JAG1 point mutation. Last evaluated: 2024-01-11. Review status: criteria provided, single submitter. Criteria: Invitae Variant Classification Sherloc (09022015). Collection method: clinical testing. Allele origin: germline.
Comment: This sequence change replaces proline, which is neutral and non-polar, with alanine, which is neutral and non-polar, at codon 514 of the JAG1 protein (p.Pro514Ala). This variant is not present in population databases (gnomAD no frequency). This variant has not been reported in the literature in individuals affected with JAG1-related conditions. Advanced modeling of protein sequence and biophysical properties (such as structural, functional, and spatial information, amino acid conservation, physicochemical variation, residue mobility, and thermodynamic stability) performed at Invitae indicates that this missense variant is not expected to disrupt JAG1 protein function with a negative predictive value of 95%. In summary, the available evidence is currently insufficient to determine the role of this variant in disease. Therefore, it has been classified as a Variant of Uncertain Significance.

NM_000214.3(JAG1):c.1540C>G (p.Pro514Ala)

Gene: JAG1 (jagged canonical Notch ligand 1; minus strand). Cytogenetic location: 20p12.2.
Variant type: single nucleotide variant.
Coding change: c.1540C>G on transcript NM_000214.3 (MANE Select); coding-DNA position 1540, C replaced by G.
Protein change: p.Pro514Ala; replaces proline 514 with alanine.
Molecular consequence: missense variant.
Genome position (GRCh38, 1-based): chr20:10,648,578, G>C on the plus strand (C>G on the coding strand, the complement: JAG1 is on the minus strand). VCF-style: chr20-10648578-G-C. GRCh37 (hg19) VCF-style: chr20-10629226-G-C.
Other names: c.1540C>G (NM_000214.2); short protein forms P514A.
Identifiers: ClinVar variation 2829798 (VCV002829798.4), dbSNP rs2514517151, ClinGen allele CA408237433.